The following is an entry in ClinVar:

ClinVar aggregate classification (germline): Uncertain significance (1 of 4 stars; one submission).

Submission:

Labcorp Genetics (formerly Invitae), Labcorp
Classification: Uncertain significance. Last evaluated: 2023-07-26. Review status: criteria provided, single submitter. Criteria: Invitae Variant Classification Sherloc (09022015). Collection method: clinical testing. Allele origin: germline.
Comment: This sequence change creates a premature translational stop signal (p.Lys722Glufs*9) in the PLAA gene. While this is not anticipated to result in nonsense mediated decay, it is expected to disrupt the last 74 amino acid(s) of the PLAA protein. This variant is not present in population databases (gnomAD no frequency). This variant has not been reported in the literature in individuals affected with PLAA-related conditions. Experimental studies and prediction algorithms are not available or were not evaluated, and the functional significance of this variant is currently unknown. In summary, the available evidence is currently insufficient to determine the role of this variant in disease. Therefore, it has been classified as a Variant of Uncertain Significance.

NM_001031689.3(PLAA):c.2163dup (p.Lys722fs)

Gene: PLAA (phospholipase A2 activating protein; minus strand). Cytogenetic location: 9p21.2.
Variant type: Duplication.
Coding change: c.2163dup on transcript NM_001031689.3 (MANE Select); coding-DNA position 2163, one base duplicated (G; older notation c.2163dupG).
Protein change: p.Lys722fs; shifts the reading frame from lysine 722.
Molecular consequence: frameshift variant.
Genome position (GRCh38, 1-based): chr9:26,905,736, C duplicated on the plus strand (G on the coding strand, the reverse complement: PLAA is on the minus strand); the first of 3 consecutive C bases (chr9:26,905,736-26,905,738); duplicating any one gives the same sequence. VCF-style (leftmost placement, unchanged base first): chr9-26905735-T-TC. GRCh37 (hg19) VCF-style: chr9-26905733-T-TC.
Other names: c.2094dup, p.Lys699fs (NM_001321546.2); short protein forms K722fs, K699fs.
Identifiers: ClinVar variation 2789939 (VCV002789939.3), dbSNP rs2489156571, ClinGen allele CA2739269184.